The following is an entry in ClinVar:

NM_020911.2(PLXNA4):c.2738+6T>A

Gene: PLXNA4 (plexin A4; minus strand). Cytogenetic location: 7q32.3.
Variant type: single nucleotide variant.
Coding change: c.2738+6T>A on transcript NM_020911.2 (MANE Select); 6 bases into the intron after coding-DNA position 2738, T replaced by A.
Molecular consequence: intron variant.
Genome position (GRCh38, 1-based): chr7:132,198,479, A>T on the plus strand (T>A on the coding strand, the complement: PLXNA4 is on the minus strand). VCF-style: chr7-132198479-A-T. GRCh37 (hg19) VCF-style: chr7-131883238-A-T.
Other names: c.2738+6T>A (NM_001393897.1).
Identifiers: ClinVar variation 5001782 (VCV005001782.1).

ClinVar aggregate classification (germline): Uncertain significance (1 of 4 stars; one submission).

Conditions:
PLXNA4-related disorder. Also called: PLXNA4-related condition.

gnomAD v4.1: 1 of 1,613,352 alleles (0.000062%); highest among the groups gnomAD compares: Admixed American, 0.0017%; no homozygotes.

Submission:

PreventionGenetics, part of Exact Sciences
Classification: Uncertain significance for PLXNA4-related condition. Last evaluated: 2025-01-08. Review status: criteria provided, single submitter. Criteria: ACMG Guidelines, 2015. Collection method: clinical testing. Allele origin: germline.
Comment: The PLXNA4 c.2738+6T>A variant is predicted to interfere with splicing. This variant is predicted to impact splicing based on prediction software (SpliceAI, Jaganathan et al. 2019. PubMed ID: 30661751). To our knowledge, this variant has not been reported in the literature or in a large population database (gnomAD), indicating this variant is rare. At this time, the clinical significance of this variant is uncertain due to the absence of conclusive functional and genetic evidence.